The following is an entry in ClinVar:

ClinVar aggregate classification (germline): Uncertain significance. Review status: criteria provided, multiple submitters, no conflicts (2 of 4 stars). 3 submissions from 3 submitters: Uncertain significance (3). Last evaluated 2026-02-17.

Conditions:
SLC22A4-related disorder. Also called: SLC22A4-related condition.

Allele frequency attached by ClinVar (database versions not stated): ExAC 0.00003; gnomAD 0.00003; TOPMed 0.00003; ESP Exome Variant Server 0.00008.
gnomAD v4.1: 68 of 1,614,076 alleles (0.0042%); highest among the groups gnomAD compares: Non-Finnish European, 0.0054%; no homozygotes.

Submissions (3):

PreventionGenetics, part of Exact Sciences
Classification: Uncertain significance for SLC22A4-related condition. Last evaluated: 2026-02-17. Review status: criteria provided, single submitter. Criteria: ACMG Guidelines, 2015. Collection method: clinical testing. Allele origin: germline.
Comment: The SLC22A4 c.1363C>G variant is predicted to result in the amino acid substitution p.Leu455Val. To our knowledge, this variant has not been reported in the literature. This variant is reported in 0.0077% of alleles in individuals of European (Non-Finnish) descent in gnomAD. At this time, the clinical significance of this variant is uncertain due to the absence of conclusive functional and genetic evidence.

Labcorp Genetics (formerly Invitae), Labcorp
Classification: Uncertain significance. Last evaluated: 2025-12-09. Review status: criteria provided, single submitter. Criteria: Invitae Variant Classification Sherloc (09022015). Collection method: clinical testing. Allele origin: germline.
Comment: This sequence change replaces leucine, which is neutral and non-polar, with valine, which is neutral and non-polar, at codon 455 of the SLC22A4 protein (p.Leu455Val). This variant is present in population databases (rs138433908, gnomAD 0.008%). This variant has not been reported in the literature in individuals affected with SLC22A4-related conditions. ClinVar contains an entry for this variant (Variation ID: 2166930). An algorithm developed to predict the effect of missense changes on protein structure and function (PolyPhen-2) suggests that this variant is likely to be tolerated. In summary, the available evidence is currently insufficient to determine the role of this variant in disease. Therefore, it has been classified as a Variant of Uncertain Significance.

Ambry Genetics
Classification: Uncertain significance. Last evaluated: 2021-09-01. Review status: criteria provided, single submitter. Criteria: Ambry Variant Classification Scheme 2023. Collection method: clinical testing. Allele origin: germline.

NM_003059.3(SLC22A4):c.1363C>G (p.Leu455Val)

Genes: MIR3936HG (MIR3936 host gene; minus strand), SLC22A4 (solute carrier family 22 member 4; plus strand). Cytogenetic location: 5q31.1.
Variant type: single nucleotide variant.
Coding change: c.1363C>G on transcript NM_003059.3 (MANE Select); coding-DNA position 1363, C replaced by G.
Protein change: p.Leu455Val; replaces leucine 455 with valine.
Molecular consequence: missense variant.
Genome position (GRCh38, 1-based): chr5:132,335,919, C>G. VCF-style: chr5-132335919-C-G. GRCh37 (hg19) VCF-style: chr5-131671612-C-G.
Other names: c.1363C>G (NM_003059.2); short protein forms L455V.
Identifiers: ClinVar variation 2166930 (VCV002166930.6), dbSNP rs138433908, ClinGen allele CA3403656.